The following is an entry in ClinVar:

ClinVar aggregate classification (germline): Uncertain significance. Review status: criteria provided, multiple submitters, no conflicts (2 of 4 stars). 2 submissions from 2 submitters: Uncertain significance (2). Last evaluated 2025-11-07.

Conditions:
Hereditary cancer-predisposing syndrome. Also called: Neoplastic Syndromes, Hereditary; Tumor predisposition; Hereditary Cancer Syndrome; Hereditary neoplastic syndrome. Identifiers: Orphanet 140162, MedGen C0027672, MeSH D009386, MONDO:0015356.

Allele frequency attached by ClinVar (database versions not stated): gnomAD exomes below 0.00001.
gnomAD v4.1: 1 of 1,611,908 alleles (0.000062%); highest among the groups gnomAD compares: Non-Finnish European, 0.000085%; no homozygotes.

Submissions (2):

Ambry Genetics
Classification: Uncertain significance for Hereditary cancer-predisposing syndrome. Last evaluated: 2025-11-07. Review status: criteria provided, single submitter. Criteria: Ambry Variant Classification Scheme 2023. Collection method: clinical testing. Allele origin: germline.
Comment: The p.T90A variant (also known as c.268A>G) is located in coding exon 3 of the FH gene. The threonine at codon 90 is replaced by alanine, an amino acid with similar properties. This change occurs in the first base pair of coding exon 3. This amino acid position is poorly conserved in available vertebrate species. In addition, the in silico prediction for this alteration is inconclusive. Based on the available evidence, the clinical significance of this variant remains unclear.

Labcorp Genetics (formerly Invitae), Labcorp
Classification: Uncertain significance. Last evaluated: 2024-11-21. Review status: criteria provided, single submitter. Criteria: Invitae Variant Classification Sherloc (09022015). Collection method: clinical testing. Allele origin: germline.
Comment: This sequence change replaces threonine, which is neutral and polar, with alanine, which is neutral and non-polar, at codon 90 of the FH protein (p.Thr90Ala). This variant is not present in population databases (gnomAD no frequency). This variant has not been reported in the literature in individuals affected with FH-related conditions. ClinVar contains an entry for this variant (Variation ID: 2233750). An algorithm developed to predict the effect of missense changes on protein structure and function outputs the following: PolyPhen-2: "Benign". The alanine amino acid residue is found in multiple mammalian species, which suggests that this missense change does not adversely affect protein function. In summary, the available evidence is currently insufficient to determine the role of this variant in disease. Therefore, it has been classified as a Variant of Uncertain Significance.

NM_000143.4(FH):c.268A>G (p.Thr90Ala)

Gene: FH (fumarate hydratase; minus strand). Cytogenetic location: 1q43.
Variant type: single nucleotide variant.
Coding change: c.268A>G on transcript NM_000143.4 (MANE Select); coding-DNA position 268, A replaced by G.
Protein change: p.Thr90Ala; replaces threonine 90 with alanine.
Molecular consequence: missense variant.
Genome position (GRCh38, 1-based): chr1:241,513,713, T>C on the plus strand (A>G on the coding strand, the complement: FH is on the minus strand). VCF-style: chr1-241513713-T-C. GRCh37 (hg19) VCF-style: chr1-241677013-T-C.
Other names: short protein forms T90A.
Identifiers: ClinVar variation 2233750 (VCV002233750.5), dbSNP rs2527335356, ClinGen allele CA345441154.